The following is an entry in ClinVar:

NM_000257.4(MYH7):c.4542G>A (p.Glu1514=)

Genes: MHRT (myosin heavy chain associated RNA transcript; plus strand), MYH7 (myosin heavy chain 7; minus strand). Cytogenetic location: 14q11.2.
Variant type: single nucleotide variant.
Coding change: c.4542G>A on transcript NM_000257.4 (MANE Select); coding-DNA position 4542, G replaced by A.
Protein change: p.Glu1514=; no amino-acid change (glutamic acid 1514 retained).
Molecular consequence: synonymous variant. On other transcripts: non-coding transcript variant (1).
Genome position (GRCh38, 1-based): chr14:23,416,970, C>T on the plus strand (G>A on the coding strand, the complement: MYH7 is on the minus strand). VCF-style: chr14-23416970-C-T. GRCh37 (hg19) VCF-style: chr14-23886179-C-T.
Identifiers: ClinVar variation 926685 (VCV000926685.7), dbSNP rs750753882, ClinGen allele CA042843.

ClinVar aggregate classification (germline): Likely benign. Review status: criteria provided, multiple submitters, no conflicts (2 of 4 stars). 3 submissions from 3 submitters: Likely benign (3). Last evaluated 2024-03-04.

Conditions:
Hypertrophic cardiomyopathy. Also called: HYPERTROPHIC MYOCARDIOPATHY. Identifiers: Orphanet 217569, MedGen C0007194, MeSH D002312, MONDO:0005045, HP:0001639.
Cardiomyopathy (CMYO). Also called: Cardiomyopathies. Identifiers: Orphanet 167848, MedGen C0878544, MONDO:0004994, HP:0001638. Inheritance: Various modes of inheritance.

Allele frequency attached by ClinVar (database versions not stated): gnomAD exomes below 0.00001; TOPMed below 0.00001; ExAC 0.00001.
gnomAD v4.1: 7 of 1,614,252 alleles (0.00043%); highest among the groups gnomAD compares: Non-Finnish European, 0.00059%; no homozygotes.

Submissions (3):

Labcorp Genetics (formerly Invitae), Labcorp
Classification: Likely benign for Hypertrophic cardiomyopathy. Last evaluated: 2024-03-04. Review status: criteria provided, single submitter. Criteria: Invitae Variant Classification Sherloc (09022015). Collection method: clinical testing. Allele origin: germline.

All of Us Research Program, National Institutes of Health
Classification: Likely benign for Cardiomyopathy. Last evaluated: 2023-04-28. Review status: criteria provided, single submitter. Criteria: ACMG Guidelines, 2015. Collection method: clinical testing. Allele origin: germline. Inheritance: Autosomal dominant inheritance. Observed: 1 variant allele, 1 heterozygote.
Comment: This study involves interpretation of variants in research participants for the purpose of population health screening. Participant phenotype was not available at the time of variant classification. Additional details can be found in publication PMID: 35346344, PMCID: PMC8962531

Color Diagnostics, LLC DBA Color Health
Classification: Likely benign for Cardiomyopathy. Last evaluated: 2019-04-01. Review status: criteria provided, single submitter. Criteria: ACMG Guidelines, 2015. Collection method: clinical testing. Allele origin: germline.